The following is an entry in ClinVar:

NM_024301.5(FKRP):c.1117G>A (p.Gly373Ser)

Gene: FKRP (fukutin related protein; plus strand). Cytogenetic location: 19q13.32.
Variant type: single nucleotide variant.
Coding change: c.1117G>A on transcript NM_024301.5 (MANE Select); coding-DNA position 1117, G replaced by A.
Protein change: p.Gly373Ser; replaces glycine 373 with serine.
Molecular consequence: missense variant.
Genome position (GRCh38, 1-based): chr19:46,756,567, G>A. VCF-style: chr19-46756567-G-A. GRCh37 (hg19) VCF-style: chr19-47259824-G-A.
Other names: p.Gly373Ser; c.1117G>A (NM_024301.4); c.1117G>A, p.Gly373Ser (NM_001039885.3); short protein forms G373S.
Identifiers: ClinVar variation 1036989 (VCV001036989.11), dbSNP rs1184684815, ClinGen allele CA406496686.
Genomic context (GRCh38, chr19:46,756,567, plus strand): 5'-CACGGGGACATCATCCCATGGGACTACGACGTGGACCTGGGCATCTACTTGGAGGACGTG[G>A]GCAACTGCGAGCAGCTGCGGGGGGCAGAGGCCGGCTCGGTGGTGGATGAGCGCGGCTTCG-3'
Protein context (NP_077277.1, residues 363-383): VDLGIYLEDV[Gly373Ser]NCEQLRGAEA

ClinVar aggregate classification (germline): Uncertain significance. Review status: criteria provided, multiple submitters, no conflicts (2 of 4 stars). 5 submissions from 5 submitters: Uncertain significance (4). 1 of the submissions does not count toward it. Last evaluated 2025-04-21.

Conditions:
Walker-Warburg congenital muscular dystrophy. Also called: Muscular dystrophy-dystroglycanopathy, type A; Walker-Warburg syndrome. Identifiers: Orphanet 899, MedGen C0265221, MONDO:0000171.
Cardiovascular phenotype. Identifiers: MedGen CN230736.
Muscular dystrophy-dystroglycanopathy type B5 (MDDGB5). Also called: MUSCULAR DYSTROPHY-DYSTROGLYCANOPATHY (CONGENITAL WITH OR WITHOUT IMPAIRED INTELLECTUAL DEVELOPMENT), TYPE B, 5; MUSCULAR DYSTROPHY, CONGENITAL, 1C; MUSCULAR DYSTROPHY, CONGENITAL, FKRP-RELATED. Identifiers: MedGen C1847759, MONDO:0011688, OMIM 606612.
Autosomal recessive limb-girdle muscular dystrophy type 2I. Also called: MUSCULAR DYSTROPHY-DYSTROGLYCANOPATHY (LIMB-GIRDLE), TYPE C, 5; MUSCULAR DYSTROPHY-DYSTROGLYCANOPATHY, LIMB-GIRDLE, FRKP-RELATED; MUSCULAR DYSTROPHY, LIMB-GIRDLE, TYPE 2I. Identifiers: Orphanet 34515, MedGen C1846672, MONDO:0011787, OMIM 607155.
Muscular dystrophy-dystroglycanopathy (congenital with brain and eye anomalies), type A1 (MDDGA1). Also called: Hydrocephalus, agyria and retinal dysplasia; Hard +/- E syndrome; Warburg syndrome; Chemke syndrome; Pagon syndrome; Cerebroocular dysgenesis. Identifiers: Orphanet 588, Orphanet 899, MedGen C4284790, MONDO:0009364, OMIM 236670.
Muscular dystrophy-dystroglycanopathy (congenital with brain and eye anomalies), type A5. Also called: WALKER-WARBURG SYNDROME OR MUSCLE-EYE-BRAIN DISEASE, FKRP-RELATED; MUSCULAR DYSTROPHY-DYSTROGLYCANOPATHY (CONGENITAL WITH BRAIN AND EYE ANOMALIES), TYPE A, 5. Identifiers: Orphanet 588, Orphanet 899, MedGen C3150413, MONDO:0013157, OMIM 613153.

Allele frequency attached by ClinVar (database versions not stated): gnomAD exomes below 0.00001; TOPMed below 0.00001; gnomAD 0.00001.
gnomAD v4.1: 7 of 1,608,618 alleles (0.00044%); highest among the groups gnomAD compares: Admixed American, 0.0017%; no homozygotes.

Submissions (5):

Mayo Clinic Laboratories, Mayo Clinic
Classification: Uncertain significance. Last evaluated: 2025-04-21. Review status: criteria provided, single submitter. Criteria: ACMG Guidelines, 2015. Collection method: clinical testing. Allele origin: germline. Observed: 1 variant allele.
Comment: PM2_supporting

Ambry Genetics
Classification: Uncertain significance for Cardiovascular phenotype. Last evaluated: 2024-10-08. Review status: criteria provided, single submitter. Criteria: Ambry Variant Classification Scheme 2023. Collection method: clinical testing. Allele origin: germline.
Comment: The p.G373S variant (also known as c.1117G>A), located in coding exon 1 of the FKRP gene, results from a G to A substitution at nucleotide position 1117. The glycine at codon 373 is replaced by serine, an amino acid with similar properties. This amino acid position is conserved. In addition, the in silico prediction for this alteration is inconclusive. Since supporting evidence is limited at this time, the clinical significance of this alteration remains unclear.

Labcorp Genetics (formerly Invitae), Labcorp
Classification: Uncertain significance for Walker-Warburg congenital muscular dystrophy. Last evaluated: 2023-10-13. Review status: criteria provided, single submitter. Criteria: Invitae Variant Classification Sherloc (09022015). Collection method: clinical testing. Allele origin: germline.
Comment: This sequence change replaces glycine, which is neutral and non-polar, with serine, which is neutral and polar, at codon 373 of the FKRP protein (p.Gly373Ser). The frequency data for this variant in the population databases is considered unreliable, as metrics indicate poor data quality at this position in the gnomAD database. This variant has not been reported in the literature in individuals affected with FKRP-related conditions. ClinVar contains an entry for this variant (Variation ID: 1036989). Advanced modeling of protein sequence and biophysical properties (such as structural, functional, and spatial information, amino acid conservation, physicochemical variation, residue mobility, and thermodynamic stability) performed at Invitae indicates that this missense variant is not expected to disrupt FKRP protein function. In summary, the available evidence is currently insufficient to determine the role of this variant in disease. Therefore, it has been classified as a Variant of Uncertain Significance.

Fulgent Genetics
Classification: Uncertain significance for Muscular dystrophy-dystroglycanopathy (congenital with brain and eye anomalies), type A1; Muscular dystrophy-dystroglycanopathy type B5; Autosomal recessive limb-girdle muscular dystrophy type 2I; Muscular dystrophy-dystroglycanopathy (congenital with brain and eye anomalies), type A5. Last evaluated: 2021-11-05. Review status: criteria provided, single submitter. Criteria: ACMG Guidelines, 2015. Collection method: clinical testing. Allele origin: unknown.

Natera, Inc.
Classification: Uncertain significance for Limb-girdle muscular dystrophy type 2I. Last evaluated: 2020-09-03. Review status: no assertion criteria provided. Collection method: clinical testing. Allele origin: germline. Not counted in ClinVar's aggregate classification.